The following is an entry in ClinVar:

NM_000264.5(PTCH1):c.3033C>A (p.Asn1011Lys)

Gene: PTCH1 (patched 1; minus strand). Cytogenetic location: 9q22.32.
Variant type: single nucleotide variant.
Coding change: c.3033C>A on transcript NM_000264.5 (MANE Select); coding-DNA position 3033, C replaced by A.
Protein change: p.Asn1011Lys; replaces asparagine 1011 with lysine.
Molecular consequence: missense variant. On other transcripts: non-coding transcript variant (1).
Genome position (GRCh38, 1-based): chr9:95,458,148, G>T on the plus strand (C>A on the coding strand, the complement: PTCH1 is on the minus strand). VCF-style: chr9-95458148-G-T. GRCh37 (hg19) VCF-style: chr9-98220430-G-T.
Other names: c.2835C>A, p.Asn945Lys (NM_001083602.3); c.3030C>A, p.Asn1010Lys (NM_001083603.3); c.2580C>A, p.Asn860Lys (NM_001083604.3, NM_001083605.3, NM_001083606.3 and 1 more transcripts); c.2877C>A, p.Asn959Lys (NM_001354918.2); short protein forms N1011K, N945K, N860K, N959K, N1010K.
Identifiers: ClinVar variation 1799060 (VCV001799060.2), dbSNP rs772344953, ClinGen allele CA374112537.

ClinVar aggregate classification (germline): Uncertain significance (1 of 4 stars; one submission).

Conditions:
Hereditary cancer-predisposing syndrome. Also called: Neoplastic Syndromes, Hereditary; Tumor predisposition; Hereditary Cancer Syndrome; Hereditary neoplastic syndrome. Identifiers: Orphanet 140162, MedGen C0027672, MeSH D009386, MONDO:0015356.

Submission:

Ambry Genetics
Classification: Uncertain significance for Hereditary cancer-predisposing syndrome. Last evaluated: 2021-06-15. Review status: criteria provided, single submitter. Criteria: Ambry Variant Classification Scheme 2023. Collection method: clinical testing. Allele origin: germline.
Comment: The p.N1011K variant (also known as c.3033C>A), located in coding exon 18 of the PTCH1 gene, results from a C to A substitution at nucleotide position 3033. The asparagine at codon 1011 is replaced by lysine, an amino acid with similar properties. This amino acid position is highly conserved in available vertebrate species. In addition, this alteration is predicted to be tolerated by in silico analysis. Since supporting evidence is limited at this time, the clinical significance of this alteration remains unclear.